The following is an entry in ClinVar:

ClinVar aggregate classification (germline): Uncertain significance (1 of 4 stars; one submission).

Conditions:
Lymphatic malformation 9. Identifiers: MedGen C5543365, MONDO:0030270, OMIM 619319.

gnomAD v4.1: 40 of 1,611,970 alleles (0.0025%); highest among the groups gnomAD compares: African/African-American, 0.015%; no homozygotes.

Submission:

Clinical Genomics Laboratory, Washington University in St. Louis
Classification: Uncertain significance for Lymphatic malformation 9. Last evaluated: 2026-02-22. Review status: criteria provided, single submitter. Criteria: ACMG Guidelines, 2015. Collection method: clinical testing. Allele origin: germline.
Comment: A CELSR1 c.4055C>T (p.Pro1352Leu) variant was identified at a near heterozygous allelic fraction of 48.5%, a frequency which may be consistent with germline origin. This variant, to our knowledge, has not been reported in the medical literature or in the ClinVar database. It is observed on 40/1,611,970 alleles in the general population (gnomAD v4.1.0). Computational predictors are [uncertain/conflicting] as to the impact of this variant on CELSR1 function. Due to limited information, and based on ACMG/AMP guidelines for variant interpretation (Richards S et al., PMID: 25741868), the clinical significance of this variant is uncertain at this time.

NM_001378328.1(CELSR1):c.4055C>T (p.Pro1352Leu)

Genes: CELSR1 (cadherin EGF LAG seven-pass G-type receptor 1; minus strand), LOC126863170 (CDK7 strongly-dependent group 2 enhancer GRCh37_chr22:46858535-46859734; plus strand). Cytogenetic location: 22q13.31.
Variant type: single nucleotide variant.
Coding change: c.4055C>T on transcript NM_001378328.1 (MANE Select); coding-DNA position 4055, C replaced by T.
Protein change: p.Pro1352Leu; replaces proline 1352 with leucine.
Molecular consequence: missense variant.
Genome position (GRCh38, 1-based): chr22:46,463,835, G>A on the plus strand (C>T on the coding strand, the complement: CELSR1 is on the minus strand). VCF-style: chr22-46463835-G-A. GRCh37 (hg19) VCF-style: chr22-46859732-G-A.
Other names: c.4055C>T, p.Pro1352Leu (NM_014246.4); short protein forms P1352L.
Identifiers: ClinVar variation 4974632 (VCV004974632.1).